The following is an entry in ClinVar:

ClinVar aggregate classification (germline): Uncertain significance (1 of 4 stars; one submission).

Conditions:
Inborn genetic diseases. Identifiers: MedGen C0950123, MeSH D030342.

Submission:

Ambry Genetics
Classification: Uncertain significance for Inborn genetic diseases. Last evaluated: 2024-06-21. Review status: criteria provided, single submitter. Criteria: Ambry Variant Classification Scheme 2023. Collection method: clinical testing. Allele origin: germline.
Comment: The p.S787F variant (also known as c.2360C>T), located in coding exon 15 of the EPAS1 gene, results from a C to T substitution at nucleotide position 2360. The serine at codon 787 is replaced by phenylalanine, an amino acid with highly dissimilar properties. This amino acid position is conserved. In addition, this alteration is predicted to be tolerated by in silico analysis. Based on the available evidence, the clinical significance of this variant remains unclear.

NM_001430.5(EPAS1):c.2360C>T (p.Ser787Phe)

Gene: EPAS1 (endothelial PAS domain protein 1; plus strand). Cytogenetic location: 2p21.
Variant type: single nucleotide variant.
Coding change: c.2360C>T on transcript NM_001430.5 (MANE Select); coding-DNA position 2360, C replaced by T.
Protein change: p.Ser787Phe; replaces serine 787 with phenylalanine.
Molecular consequence: missense variant.
Genome position (GRCh38, 1-based): chr2:46,382,497, C>T. VCF-style: chr2-46382497-C-T. GRCh37 (hg19) VCF-style: chr2-46609636-C-T.
Other names: short protein forms S787F.
Identifiers: ClinVar variation 3275744 (VCV003275744.1).